The following is an entry in ClinVar:

ClinVar aggregate classification (germline): Uncertain significance (1 of 4 stars; one submission).

Submission:

Labcorp Genetics (formerly Invitae), Labcorp
Classification: Uncertain significance. Last evaluated: 2024-03-29. Review status: criteria provided, single submitter. Criteria: Invitae Variant Classification Sherloc (09022015). Collection method: clinical testing. Allele origin: germline.
Comment: This sequence change replaces arginine, which is basic and polar, with proline, which is neutral and non-polar, at codon 199 of the DGKE protein (p.Arg199Pro). This variant is not present in population databases (gnomAD no frequency). This variant has not been reported in the literature in individuals affected with DGKE-related conditions. Advanced modeling of protein sequence and biophysical properties (such as structural, functional, and spatial information, amino acid conservation, physicochemical variation, residue mobility, and thermodynamic stability) performed at Invitae indicates that this missense variant is not expected to disrupt DGKE protein function with a negative predictive value of 80%. In summary, the available evidence is currently insufficient to determine the role of this variant in disease. Therefore, it has been classified as a Variant of Uncertain Significance.

NM_003647.3(DGKE):c.596G>C (p.Arg199Pro)

Gene: DGKE (diacylglycerol kinase epsilon; plus strand). Cytogenetic location: 17q22.
Variant type: single nucleotide variant.
Coding change: c.596G>C on transcript NM_003647.3 (MANE Select); coding-DNA position 596, G replaced by C.
Protein change: p.Arg199Pro; replaces arginine 199 with proline.
Molecular consequence: missense variant.
Genome position (GRCh38, 1-based): chr17:56,844,150, G>C. VCF-style: chr17-56844150-G-C. GRCh37 (hg19) VCF-style: chr17-54921511-G-C.
Other names: short protein forms R199P.
Identifiers: ClinVar variation 3643109 (VCV003643109.2).